The following is an entry in ClinVar:

ClinVar aggregate classification (germline): Uncertain significance (1 of 4 stars; one submission).

Conditions:
Distal myopathy with posterior leg and anterior hand involvement. Also called: WILLIAMS DISTAL MYOPATHY. Identifiers: Orphanet 63273, MedGen C3279722, MONDO:0013550, OMIM 614065.
Hypertrophic cardiomyopathy 26. Also called: Cardiomyopathy, familial hypertrophic, 26. Identifiers: Orphanet 75249, MedGen C4310749, MONDO:0014883, OMIM 617047.
Myofibrillar myopathy 5. Also called: Filaminopathy (type); FILAMINOPATHY, AUTOSOMAL DOMINANT. Identifiers: Orphanet 171445, MedGen C1836050, MONDO:0012289, OMIM 609524.

gnomAD v4.1: 1 of 1,614,134 alleles (0.000062%); highest among the groups gnomAD compares: Non-Finnish European, 0.000085%; no homozygotes.

Submission:

Labcorp Genetics (formerly Invitae), Labcorp
Classification: Uncertain significance for Distal myopathy with posterior leg and anterior hand involvement; Myofibrillar myopathy 5; Hypertrophic cardiomyopathy 26. Last evaluated: 2024-07-15. Review status: criteria provided, single submitter. Criteria: Invitae Variant Classification Sherloc (09022015). Collection method: clinical testing. Allele origin: germline.
Comment: This sequence change replaces glutamic acid, which is acidic and polar, with aspartic acid, which is acidic and polar, at codon 2334 of the FLNC protein (p.Glu2334Asp). This variant is not present in population databases (gnomAD no frequency). This variant has not been reported in the literature in individuals affected with FLNC-related conditions. Advanced modeling of protein sequence and biophysical properties (such as structural, functional, and spatial information, amino acid conservation, physicochemical variation, residue mobility, and thermodynamic stability) performed at Invitae indicates that this missense variant is not expected to disrupt FLNC protein function with a negative predictive value of 95%. In summary, the available evidence is currently insufficient to determine the role of this variant in disease. Therefore, it has been classified as a Variant of Uncertain Significance.

NM_001458.5(FLNC):c.7002G>C (p.Glu2334Asp)

Genes: FLNC-AS1 (FLNC antisense RNA 1; minus strand), FLNC (filamin C; plus strand). Cytogenetic location: 7q32.1.
Variant type: single nucleotide variant.
Coding change: c.7002G>C on transcript NM_001458.5 (MANE Select); coding-DNA position 7002, G replaced by C.
Protein change: p.Glu2334Asp; replaces glutamic acid 2334 with aspartic acid.
Molecular consequence: missense variant.
Genome position (GRCh38, 1-based): chr7:128,854,779, G>C. VCF-style: chr7-128854779-G-C. GRCh37 (hg19) VCF-style: chr7-128494833-G-C.
Other names: c.6903G>C, p.Glu2301Asp (NM_001127487.2); short protein forms E2301D, E2334D.
Identifiers: ClinVar variation 3757244 (VCV003757244.2).